The following is an entry in ClinVar:

NM_016335.6(PRODH):c.1279G>A (p.Val427Met)

Gene: PRODH (proline dehydrogenase 1; minus strand). Cytogenetic location: 22q11.21.
Variant type: single nucleotide variant.
Coding change: c.1279G>A on transcript NM_016335.6 (MANE Select); coding-DNA position 1279, G replaced by A.
Protein change: p.Val427Met; replaces valine 427 with methionine.
Molecular consequence: missense variant.
Genome position (GRCh38, 1-based): chr22:18,918,464, C>T on the plus strand (G>A on the coding strand, the complement: PRODH is on the minus strand). VCF-style: chr22-18918464-C-T. GRCh37 (hg19) VCF-style: chr22-18905977-C-T.
Other names: c.955G>A, p.Val319Met (NM_001195226.2); short protein forms V427M, V319M.
Identifiers: ClinVar variation 459909 (VCV000459909.14), dbSNP rs2238731, ClinGen allele CA10094990.

ClinVar aggregate classification (germline): Benign/Likely benign. Review status: criteria provided, multiple submitters, no conflicts (2 of 4 stars). 4 submissions from 4 submitters: Benign (3); Likely benign (1). Last evaluated 2026-02-01.

Conditions:
Proline dehydrogenase deficiency (HYRPRO1). Also called: Hyperprolinemia type 1; PROLINE OXIDASE DEFICIENCY. Identifiers: Orphanet 419, MedGen C0268529, MONDO:0009400, OMIM 239500.

Allele frequency attached by ClinVar (database versions not stated): TOPMed 0.04688; 1000 Genomes Project 0.06550; gnomAD exomes 0.03558 and 0.03840; ESP Exome Variant Server 0.03653; gnomAD 0.03801; ExAC 0.04109.

Submissions (4):

Labcorp Genetics (formerly Invitae), Labcorp
Classification: Benign for Proline dehydrogenase deficiency. Last evaluated: 2026-02-01. Review status: criteria provided, single submitter. Criteria: Invitae Variant Classification Sherloc (09022015). Collection method: clinical testing. Allele origin: germline.

Blueprint Genetics
Classification: Likely benign. Last evaluated: 2024-11-27. Review status: criteria provided, single submitter. Criteria: ACMG Guidelines, 2015. Collection method: clinical testing. Allele origin: germline.

GeneDx
Classification: Benign. Last evaluated: 2019-01-08. Review status: criteria provided, single submitter. Criteria: GeneDx Variant Classification Process June 2021. Collection method: clinical testing. Allele origin: germline. Affected: yes.
Comment: This variant is associated with the following publications: (PMID: 23462603, 15662599, 24842239, 22090377)

Breakthrough Genomics
Classification: Benign. Review status: criteria provided, single submitter. Criteria: ACMG Guidelines, 2015. Collection method: not provided. Allele origin: germline. Inheritance: Autosomal dominant inheritance. Affected: yes.